The following is an entry in ClinVar:

NM_002485.5(NBN):c.737G>T (p.Gly246Val)

Gene: NBN (nibrin; minus strand). Cytogenetic location: 8q21.3.
Variant type: single nucleotide variant.
Coding change: c.737G>T on transcript NM_002485.5 (MANE Select); coding-DNA position 737, G replaced by T.
Protein change: p.Gly246Val; replaces glycine 246 with valine.
Molecular consequence: missense variant.
Genome position (GRCh38, 1-based): chr8:89,970,523, C>A on the plus strand (G>T on the coding strand, the complement: NBN is on the minus strand). VCF-style: chr8-89970523-C-A. GRCh37 (hg19) VCF-style: chr8-90982751-C-A.
Other names: c.491G>T, p.Gly164Val (NM_001024688.3); short protein forms G246V, G164V.
Identifiers: ClinVar variation 2870164 (VCV002870164.4), dbSNP rs1554564023, ClinGen allele CA371658826.
Genomic context (GRCh38, chr8:89,970,523, plus strand): 5'-GGAGCCAAAAAGAAATTATGTTCTTCTTCATTCTCTTCTGTTATCAACCTAGCTTCCCCA[C>A]CTCCAAAGACAACTGCGGAACTCAATTTCTTATGCTAAAAATGGAAGGAAACATTTTTTA-3'
Protein context (NP_002476.2, residues 236-256): KKLSSAVVFG[Gly246Val]GEARLITEEN

ClinVar aggregate classification (germline): Uncertain significance. Review status: criteria provided, multiple submitters, no conflicts (2 of 4 stars). 2 submissions from 2 submitters: Uncertain significance (2). Last evaluated 2025-07-05.

Conditions:
Hereditary cancer-predisposing syndrome. Also called: Hereditary Cancer Syndrome; Hereditary neoplastic syndrome; Neoplastic Syndromes, Hereditary; Tumor predisposition. Identifiers: Orphanet 140162, MedGen C0027672, MeSH D009386, MONDO:0015356.
Microcephaly, normal intelligence and immunodeficiency (NBS). Also called: Microcephaly with normal intelligence immunodeficiency and lymphoreticular malignancies; Nonsyndromal microcephaly autosomal recessive with normal intelligence; Seemanova syndrome 2; BERLIN BREAKAGE SYNDROME; Ataxia telangiectasia variant V1; IMMUNODEFICIENCY, MICROCEPHALY, AND CHROMOSOMAL INSTABILITY. Identifiers: Orphanet 647, MedGen C0398791, MONDO:0009623, OMIM 251260.

Submissions (2):

Ambry Genetics
Classification: Uncertain significance for Hereditary cancer-predisposing syndrome. Last evaluated: 2025-07-05. Review status: criteria provided, single submitter. Criteria: Ambry Variant Classification Scheme 2023. Collection method: clinical testing. Allele origin: germline.
Comment: The p.G246V variant (also known as c.737G>T), located in coding exon 7 of the NBN gene, results from a G to T substitution at nucleotide position 737. The glycine at codon 246 is replaced by valine, an amino acid with dissimilar properties. This amino acid position is conserved. In addition, this alteration is predicted to be deleterious by in silico analysis. Based on the available evidence, the clinical significance of this variant remains unclear.

Labcorp Genetics (formerly Invitae), Labcorp
Classification: Uncertain significance for Microcephaly, normal intelligence and immunodeficiency. Last evaluated: 2023-02-15. Review status: criteria provided, single submitter. Criteria: Invitae Variant Classification Sherloc (09022015). Collection method: clinical testing. Allele origin: germline.
Comment: In summary, the available evidence is currently insufficient to determine the role of this variant in disease. Therefore, it has been classified as a Variant of Uncertain Significance. An algorithm developed to predict the effect of missense changes on protein structure and function (PolyPhen-2) suggests that this variant is likely to be disruptive. This variant has not been reported in the literature in individuals affected with NBN-related conditions. This variant is not present in population databases (gnomAD no frequency). This sequence change replaces glycine, which is neutral and non-polar, with valine, which is neutral and non-polar, at codon 246 of the NBN protein (p.Gly246Val).